The following is an entry in ClinVar:

ClinVar aggregate classification (germline): Uncertain significance. Review status: criteria provided, multiple submitters, no conflicts (2 of 4 stars). 2 submissions from 2 submitters: Uncertain significance (2). Last evaluated 2024-05-13.

Conditions:
Cardiac arrhythmia. Also called: Cardiac rhythm disease; Arrhythmia. Identifiers: MedGen C0003811, MONDO:0007263, HP:0011675.
Cardiovascular phenotype. Identifiers: MedGen CN230736.

Submissions (2):

Ambry Genetics
Classification: Uncertain significance for Cardiovascular phenotype. Last evaluated: 2024-05-13. Review status: criteria provided, single submitter. Criteria: Ambry Variant Classification Scheme 2023. Collection method: clinical testing. Allele origin: germline.
Comment: The c.2769_2771delGGGinsAGC variant (also known as p.G924A), located in coding exon 12 of the KCNH2 gene, results from an in-frame deletion of GGG and insertion of AGC at nucleotide positions 2769 to 2771. This results in the substitution of the glycine residue for an alanine residue at codon 924, an amino acid with similar properties. This amino acid position is well conserved in available vertebrate species. In addition, this alteration is predicted to be neutral by in silico analysis (Choi Y et al. PLoS ONE. 2012; 7(10):e46688). Since supporting evidence is limited at this time, the clinical significance of this alteration remains unclear.

Color Diagnostics, LLC DBA Color Health
Classification: Uncertain significance for Cardiac arrhythmia. Last evaluated: 2019-12-18. Review status: criteria provided, single submitter. Criteria: ACMG Guidelines, 2015. Collection method: clinical testing. Allele origin: germline.
Comment: This missense variant replaces glycine with alanine at codon 924 of the KCNH2 protein. Computational prediction is inconclusive regarding the impact of this variant on protein structure and function (internally defined REVEL score threshold 0.5 < inconclusive < 0.7, PMID: 27666373). Splice site prediction tools suggest that this variant may not impact RNA splicing. To our knowledge, functional studies have not been performed for this variant. This variant has been reported in an individual affected with epilepsy and sudden death (PMID: 26704558) and in an individual affected with sudden cardiac arrest (PMID: 29884292). A different DNA change (c.2771G>C) resulting in the same amino acid change as this variant has been reported in an individual referred for long QT syndrome genetic test (PMID: 19716085). This variant has not been identified in the general population by the Genome Aggregation Database (gnomAD). The available evidence is insufficient to determine the role of this variant in disease conclusively. Therefore, this variant is classified as a Variant of Uncertain Significance.

NM_000238.4(KCNH2):c.2769_2771delinsAGC (p.Gly924Ala)

Gene: KCNH2 (potassium voltage-gated channel subfamily H member 2; minus strand). Cytogenetic location: 7q36.1.
Variant type: Indel.
Coding change: c.2769_2771delinsAGC on transcript NM_000238.4 (MANE Select); coding-DNA positions 2769 to 2771, GGG replaced by AGC.
Protein change: p.Gly924Ala; replaces glycine 924 with alanine.
Molecular consequence: missense variant.
Genome position (GRCh38, 1-based): chr7:150,947,800-150,947,802, CCC replaced by GCT on the plus strand (GGG replaced by AGC on the coding strand, the reverse complement: KCNH2 is on the minus strand). VCF-style: chr7-150947800-CCC-GCT. GRCh37 (hg19) VCF-style: chr7-150644888-CCC-GCT.
Other names: c.1749_1751delinsAGC, p.Gly584Ala (NM_172057.3); c.2769_2771delGGGinsAGC (NM_000238.3); short protein forms G924A, G584A.
Identifiers: ClinVar variation 920801 (VCV000920801.8), dbSNP rs1800969882, ClinGen allele CA913188241.
Genomic context (GRCh38, chr7:150,947,800, plus strand): 5'-TCATCCTCACTGCTCTCAGGGCTGGAGGGGCCACTGGACGGGCTCTCCCCCCACGGCCCC[CCC>GCT]GGCCGGCCCCGGCTACTCGGCCCTGCCCCCGCCCGGCCCGGCCCCAAGGCCGACACCTCC-3'
Protein context (NP_000229.1, residues 914-934): GAGPSSRGRP[Gly924Ala]GPWGESPSSG